The following is an entry in ClinVar:

NM_000130.5(F5):c.1336T>C (p.Tyr446His)

Gene: F5 (coagulation factor V; minus strand). Cytogenetic location: 1q24.2.
Variant type: single nucleotide variant.
Coding change: c.1336T>C on transcript NM_000130.5 (MANE Select); coding-DNA position 1336, T replaced by C.
Protein change: p.Tyr446His; replaces tyrosine 446 with histidine.
Molecular consequence: missense variant.
Genome position (GRCh38, 1-based): chr1:169,550,700, A>G on the plus strand (T>C on the coding strand, the complement: F5 is on the minus strand). VCF-style: chr1-169550700-A-G. GRCh37 (hg19) VCF-style: chr1-169519938-A-G.
Other names: short protein forms Y446H.
Identifiers: ClinVar variation 3276982 (VCV003276982.3).

ClinVar aggregate classification (germline): Uncertain significance. Review status: criteria provided, multiple submitters, no conflicts (2 of 4 stars). 2 submissions from 2 submitters: Uncertain significance (2). Last evaluated 2024-03-21.

Conditions:
Congenital factor V deficiency. Also called: Hereditary factor V deficiency disease; LABILE FACTOR DEFICIENCY; OWREN PARAHEMOPHILIA; PARAHEMOPHILIA. Identifiers: Orphanet 326, MedGen C0015499, MONDO:0009210, OMIM 227400.
Inborn genetic diseases. Identifiers: MedGen C0950123, MeSH D030342.

gnomAD v4.1: 6 of 1,613,974 alleles (0.00037%); highest among the groups gnomAD compares: Admixed American, 0.0067%; no homozygotes.

Submissions (2):

Labcorp Genetics (formerly Invitae), Labcorp
Classification: Uncertain significance for Congenital factor V deficiency. Last evaluated: 2024-03-21. Review status: criteria provided, single submitter. Criteria: Invitae Variant Classification Sherloc (09022015). Collection method: clinical testing. Allele origin: germline.
Comment: This sequence change replaces tyrosine, which is neutral and polar, with histidine, which is basic and polar, at codon 446 of the F5 protein (p.Tyr446His). This variant is present in population databases (rs746070235, gnomAD 0.003%). This variant has not been reported in the literature in individuals affected with F5-related conditions. Advanced modeling of protein sequence and biophysical properties (such as structural, functional, and spatial information, amino acid conservation, physicochemical variation, residue mobility, and thermodynamic stability) performed at Invitae indicates that this missense variant is expected to disrupt F5 protein function with a positive predictive value of 80%. In summary, the available evidence is currently insufficient to determine the role of this variant in disease. Therefore, it has been classified as a Variant of Uncertain Significance.

Ambry Genetics
Classification: Uncertain significance for Inborn genetic diseases. Last evaluated: 2024-03-15. Review status: criteria provided, single submitter. Criteria: Ambry Variant Classification Scheme 2023. Collection method: clinical testing. Allele origin: germline.